The following is an entry in ClinVar:

NM_024747.6(HPS6):c.834G>C (p.Gln278His)

Gene: HPS6 (HPS6 biogenesis of lysosomal organelles complex 2 subunit 3; plus strand). Cytogenetic location: 10q24.32.
Variant type: single nucleotide variant.
Coding change: c.834G>C on transcript NM_024747.6 (MANE Select); coding-DNA position 834, G replaced by C.
Protein change: p.Gln278His; replaces glutamine 278 with histidine.
Molecular consequence: missense variant.
Genome position (GRCh38, 1-based): chr10:102,066,308, G>C. VCF-style: chr10-102066308-G-C. GRCh37 (hg19) VCF-style: chr10-103826065-G-C.
Other names: short protein forms Q278H.
Identifiers: ClinVar variation 2172485 (VCV002172485.2), dbSNP rs145571940, ClinGen allele CA212200547.

ClinVar aggregate classification (germline): Conflicting classifications of pathogenicity. Review status: criteria provided, conflicting classifications (1 of 4 stars). 2 submissions from 2 submitters: Uncertain significance (1); Likely benign (1). Last evaluated 2025-04-21.

Conditions:
Inborn genetic diseases. Identifiers: MedGen C0950123, MeSH D030342.

Allele frequency attached by ClinVar (database versions not stated): gnomAD exomes 0.00008; gnomAD 0.00009; TOPMed 0.00007; ESP Exome Variant Server 0.00015.
gnomAD v4.1: 122 of 1,613,926 alleles (0.0076%); highest among the groups gnomAD compares: Non-Finnish European, 0.0097%; no homozygotes.

Submissions (2):

Ambry Genetics
Classification: Likely benign for Inborn genetic diseases. Last evaluated: 2025-04-21. Review status: criteria provided, single submitter. Criteria: Ambry Variant Classification Scheme 2023. Collection method: clinical testing. Allele origin: germline.

Labcorp Genetics (formerly Invitae), Labcorp
Classification: Uncertain significance. Last evaluated: 2022-05-27. Review status: criteria provided, single submitter. Criteria: Invitae Variant Classification Sherloc (09022015). Collection method: clinical testing. Allele origin: germline.
Comment: This sequence change replaces glutamine, which is neutral and polar, with histidine, which is basic and polar, at codon 278 of the HPS6 protein (p.Gln278His). This variant is present in population databases (rs145571940, gnomAD 0.004%). This variant has not been reported in the literature in individuals affected with HPS6-related conditions. Algorithms developed to predict the effect of missense changes on protein structure and function output the following: SIFT: "Tolerated"; PolyPhen-2: "Benign"; Align-GVGD: "Class C0". The histidine amino acid residue is found in multiple mammalian species, which suggests that this missense change does not adversely affect protein function. In summary, the available evidence is currently insufficient to determine the role of this variant in disease. Therefore, it has been classified as a Variant of Uncertain Significance.